The following is an entry in ClinVar:

NM_000875.5(IGF1R):c.4069C>T (p.Arg1357Trp)

Gene: IGF1R (insulin like growth factor 1 receptor; plus strand). Cytogenetic location: 15q26.3.
Variant type: single nucleotide variant.
Coding change: c.4069C>T on transcript NM_000875.5 (MANE Select); coding-DNA position 4069, C replaced by T.
Protein change: p.Arg1357Trp; replaces arginine 1357 with tryptophan.
Molecular consequence: missense variant.
Genome position (GRCh38, 1-based): chr15:98,957,407, C>T. VCF-style: chr15-98957407-C-T. GRCh37 (hg19) VCF-style: chr15-99500636-C-T.
Other names: c.4066C>T, p.Arg1356Trp (NM_001291858.2); short protein forms R1356W, R1357W.
Identifiers: ClinVar variation 317463 (VCV000317463.11), dbSNP rs143940675, ClinGen allele CA7752886.

ClinVar aggregate classification (germline): Uncertain significance. Review status: criteria provided, multiple submitters, no conflicts (2 of 4 stars). 4 submissions from 4 submitters: Uncertain significance (4). Last evaluated 2026-02-06.

Conditions:
Growth delay due to insulin-like growth factor I resistance. Also called: Somatomedin end-organ insensitivity to; Somatomedin-c resistance to; IGF-1 resistance; IGF-I RESISTANCE; Insulin-Like Growth Factor I Resistance. Identifiers: Orphanet 73273, MedGen C1849157, MONDO:0010038, OMIM 270450.

Allele frequency attached by ClinVar (database versions not stated): gnomAD exomes 0.00011 and 0.00025; ESP Exome Variant Server 0.00015; ExAC 0.00021; TOPMed 0.00024; gnomAD 0.00028.
gnomAD v4.1: 216 of 1,613,256 alleles (0.013%); highest among the groups gnomAD compares: Admixed American, 0.073%; 1 homozygote.

Submissions (4):

Women's Health and Genetics/Laboratory Corporation of America, LabCorp
Classification: Uncertain significance. Last evaluated: 2026-02-06. Review status: criteria provided, single submitter. Criteria: LabCorp Variant Classification Summary - May 2015. Collection method: clinical testing. Allele origin: germline.
Comment: Variant summary: IGF1R c.4069C>T (p.Arg1357Trp) results in a non-conservative amino acid change in the encoded protein sequence. Algorithms developed to predict the effect of missense changes on protein structure and function all suggest that this variant is likely to be disruptive. The variant allele was found at a frequency of 0.00025 in 248336 control chromosomes in the gnomAD database, including 1 homozygotes. This frequency is not significantly higher than estimated for disease-causing variants in IGF1R, allowing no conclusion about variant significance. To our knowledge, no occurrence of c.4069C>T in individuals affected with IGF1R-related conditions and no experimental evidence demonstrating its impact on protein function have been reported. ClinVar contains an entry for this variant (Variation ID: 317463). Based on the evidence outlined above, the variant was classified as uncertain significance.

Labcorp Genetics (formerly Invitae), Labcorp
Classification: Uncertain significance. Last evaluated: 2026-01-15. Review status: criteria provided, single submitter. Criteria: Invitae Variant Classification Sherloc (09022015). Collection method: clinical testing. Allele origin: germline.
Comment: This sequence change replaces arginine, which is basic and polar, with tryptophan, which is neutral and slightly polar, at codon 1357 of the IGF1R protein (p.Arg1357Trp). This variant is present in population databases (rs143940675, gnomAD 0.1%). This variant has not been reported in the literature in individuals affected with IGF1R-related conditions. ClinVar contains an entry for this variant (Variation ID: 317463). An algorithm developed to predict the effect of missense changes on protein structure and function (PolyPhen-2) suggests that this variant is likely to be disruptive. In summary, the available evidence is currently insufficient to determine the role of this variant in disease. Therefore, it has been classified as a Variant of Uncertain Significance.

Blueprint Genetics
Classification: Uncertain significance. Last evaluated: 2023-03-20. Review status: criteria provided, single submitter. Criteria: ACMG Guidelines, 2015. Collection method: clinical testing. Allele origin: germline.

Illumina Laboratory Services, Illumina
Classification: Uncertain significance for Growth delay due to insulin-like growth factor I resistance. Last evaluated: 2018-01-13. Review status: criteria provided, single submitter. Criteria: ICSL Variant Classification Criteria 13 December 2019. Collection method: clinical testing. Allele origin: germline.